The following is an entry in ClinVar:

NM_005015.5(OXA1L):c.799C>G (p.Leu267Val)

Gene: OXA1L (OXA1L mitochondrial inner membrane insertase; plus strand). Cytogenetic location: 14q11.2.
Variant type: single nucleotide variant.
Coding change: c.799C>G on transcript NM_005015.5 (MANE Select); coding-DNA position 799, C replaced by G.
Protein change: p.Leu267Val; replaces leucine 267 with valine.
Molecular consequence: missense variant.
Genome position (GRCh38, 1-based): chr14:22,770,590, C>G. VCF-style: chr14-22770590-C-G. GRCh37 (hg19) VCF-style: chr14-23239799-C-G.
Other names: short protein forms L267V.
Identifiers: ClinVar variation 2644075 (VCV002644075.24), dbSNP rs1303836865, ClinGen allele CA388919499.

ClinVar aggregate classification (germline): Uncertain significance (1 of 4 stars; one submission).

Allele frequency attached by ClinVar (database versions not stated): TOPMed 0.00001.
gnomAD v4.1: 16 of 1,613,506 alleles (0.00099%); highest among the groups gnomAD compares: Non-Finnish European, 0.0014%; no homozygotes.

Submission:

CeGaT Center for Human Genetics Tuebingen
Classification: Uncertain significance. Last evaluated: 2023-08-01. Review status: criteria provided, single submitter. Criteria: CeGaT Center For Human Genetics Tuebingen Variant Classification Criteria Version 2. Collection method: clinical testing. Allele origin: germline. Affected: yes. Observed: 1 variant allele.
Comment: OXA1L: PM2:Supporting, BP4